The following is an entry in ClinVar:

ClinVar aggregate classification (germline): Uncertain significance (1 of 4 stars; one submission).

Conditions:
Epilepsy, familial adult myoclonic, 5 (EPEO5). Also called: CORTICAL MYOCLONIC TREMOR WITH EPILEPSY, FAMILIAL, 5. Identifiers: Orphanet 86814, MedGen C3809374, MONDO:0014167, OMIM 615400.

Allele frequency attached by ClinVar (database versions not stated): gnomAD exomes below 0.00001; gnomAD 0.00001; TOPMed 0.00002; ESP Exome Variant Server 0.00008.

Submission:

Labcorp Genetics (formerly Invitae), Labcorp
Classification: Uncertain significance for Epilepsy, familial adult myoclonic, 5. Last evaluated: 2021-03-26. Review status: criteria provided, single submitter. Criteria: Invitae Variant Classification Sherloc (09022015). Collection method: clinical testing. Allele origin: germline.
Comment: In summary, the available evidence is currently insufficient to determine the role of this variant in disease. Therefore, it has been classified as a Variant of Uncertain Significance. Algorithms developed to predict the effect of missense changes on protein structure and function (SIFT, PolyPhen-2, Align-GVGD) all suggest that this variant is likely to be disruptive, but these predictions have not been confirmed by published functional studies and their clinical significance is uncertain. This variant has not been reported in the literature in individuals with CNTN2-related conditions. This variant is not present in population databases (ExAC no frequency). This sequence change replaces proline with serine at codon 714 of the CNTN2 protein (p.Pro714Ser). The proline residue is highly conserved and there is a moderate physicochemical difference between proline and serine.

NM_005076.5(CNTN2):c.2140C>T (p.Pro714Ser)

Gene: CNTN2 (contactin 2; plus strand). Cytogenetic location: 1q32.1.
Variant type: single nucleotide variant.
Coding change: c.2140C>T on transcript NM_005076.5 (MANE Select); coding-DNA position 2140, C replaced by T.
Protein change: p.Pro714Ser; replaces proline 714 with serine.
Molecular consequence: missense variant. On other transcripts: non-coding transcript variant (1).
Genome position (GRCh38, 1-based): chr1:205,069,505, C>T. VCF-style: chr1-205069505-C-T. GRCh37 (hg19) VCF-style: chr1-205038633-C-T.
Other names: c.2140C>T, p.Pro714Ser (NM_001346083.2); short protein forms P714S.
Identifiers: ClinVar variation 1402220 (VCV001402220.8), dbSNP rs374773829, ClinGen allele CA36374532.